The following is an entry in ClinVar:

ClinVar aggregate classification (germline): Uncertain significance (1 of 4 stars; one submission).

Allele frequency attached by ClinVar (database versions not stated): gnomAD exomes below 0.00001; gnomAD 0.00001.
gnomAD v4.1: 3 of 1,613,394 alleles (0.00019%); highest among the groups gnomAD compares: African/African-American, 0.0027%; no homozygotes.

Submission:

Labcorp Genetics (formerly Invitae), Labcorp
Classification: Uncertain significance. Last evaluated: 2021-12-15. Review status: criteria provided, single submitter. Criteria: Invitae Variant Classification Sherloc (09022015). Collection method: clinical testing. Allele origin: germline.
Comment: This sequence change replaces alanine, which is neutral and non-polar, with threonine, which is neutral and polar, at codon 3894 of the PCLO protein (p.Ala3894Thr). This variant is present in population databases (no rsID available, gnomAD 0.007%). This variant has not been reported in the literature in individuals affected with PCLO-related conditions. Algorithms developed to predict the effect of missense changes on protein structure and function are either unavailable or do not agree on the potential impact of this missense change (SIFT: "Tolerated"; PolyPhen-2: "Not Available"; Align-GVGD: "Class C0"). In summary, the available evidence is currently insufficient to determine the role of this variant in disease. Therefore, it has been classified as a Variant of Uncertain Significance.

NM_033026.6(PCLO):c.11680G>A (p.Ala3894Thr)

Gene: PCLO (piccolo presynaptic cytomatrix protein; minus strand). Cytogenetic location: 7q21.11.
Variant type: single nucleotide variant.
Coding change: c.11680G>A on transcript NM_033026.6 (MANE Select); coding-DNA position 11680, G replaced by A.
Protein change: p.Ala3894Thr; replaces alanine 3894 with threonine.
Molecular consequence: missense variant.
Genome position (GRCh38, 1-based): chr7:82,916,306, C>T on the plus strand (G>A on the coding strand, the complement: PCLO is on the minus strand). VCF-style: chr7-82916306-C-T. GRCh37 (hg19) VCF-style: chr7-82545622-C-T.
Other names: c.11680G>A, p.Ala3894Thr (NM_014510.3); short protein forms A3894T.
Identifiers: ClinVar variation 1479525 (VCV001479525.3), dbSNP rs1446831430, ClinGen allele CA367893266.